The following is an entry in ClinVar:

NM_021971.4(GMPPB):c.374G>A (p.Arg125Gln)

Gene: GMPPB (GDP-mannose pyrophosphorylase B; minus strand). Cytogenetic location: 3p21.31.
Variant type: single nucleotide variant.
Coding change: c.374G>A on transcript NM_021971.4 (MANE Select); coding-DNA position 374, G replaced by A.
Protein change: p.Arg125Gln; replaces arginine 125 with glutamine.
Molecular consequence: missense variant.
Genome position (GRCh38, 1-based): chr3:49,723,000, C>T on the plus strand (G>A on the coding strand, the complement: GMPPB is on the minus strand). VCF-style: chr3-49723000-C-T. GRCh37 (hg19) VCF-style: chr3-49760433-C-T.
Other names: c.374G>A, p.Arg125Gln (NM_013334.4); short protein forms R125Q.
Identifiers: ClinVar variation 541078 (VCV000541078.8), dbSNP rs758366693, ClinGen allele CA2405593.

ClinVar aggregate classification (germline): Uncertain significance (1 of 4 stars; one submission).

Conditions:
Muscular dystrophy-dystroglycanopathy (congenital with brain and eye anomalies), type A14. Also called: Congenital Muscular Dystrophy-Dystroglycanopathy with Brain and Eye Anomalies Type A 14; Congenital muscular dystrophy-dystroglycanopathy with brain and eye anomalies, type A14; Muscular dystrophy-dystroglycanopathy (congenital with brain and eye anomalies), type a, 14; WALKER-WARBURG SYNDROME OR MUSCLE-EYE-BRAIN DISEASE, GMPPB-RELATED. Identifiers: Orphanet 588, MedGen C3809216, MONDO:0014140, OMIM 615350.
Muscular dystrophy-dystroglycanopathy (congenital with impaired intellectual development), type B, 14. Also called: Congenital muscular dystrophy-dystroglycanopathy with mental retardation, type B14; MUSCULAR DYSTROPHY, CONGENITAL, GMPPB-RELATED; Muscular dystrophy-dystroglycanopathy (congenital with intellectual disability), type B14. Identifiers: MedGen C3809221, MONDO:0014141, OMIM 615351.
Autosomal recessive limb-girdle muscular dystrophy type 2T. Also called: Limb-girdle muscular dystrophy-dystroglycanopathy, type C14; Muscular dystrophy-dystroglycanopathy (limb-girdle), type c, 14; MUSCULAR DYSTROPHY-DYSTROGLYCANOPATHY, LIMB-GIRDLE, GMPPB-RELATED; MUSCULAR DYSTROPHY, LIMB-GIRDLE, TYPE 2T. Identifiers: Orphanet 363623, MedGen C4518000, MONDO:0014142, OMIM 615352.

Allele frequency attached by ClinVar (database versions not stated): TOPMed 0.00001; gnomAD exomes below 0.00001; ExAC 0.00001.
gnomAD v4.1: 7 of 1,613,446 alleles (0.00043%); highest among the groups gnomAD compares: South Asian, 0.0011%; no homozygotes.

Submission:

Labcorp Genetics (formerly Invitae), Labcorp
Classification: Uncertain significance for Autosomal recessive limb-girdle muscular dystrophy type 2T; Muscular dystrophy-dystroglycanopathy (congenital with brain and eye anomalies), type A14; Muscular dystrophy-dystroglycanopathy (congenital with impaired intellectual development), type B, 14. Last evaluated: 2022-06-04. Review status: criteria provided, single submitter. Criteria: Invitae Variant Classification Sherloc (09022015). Collection method: clinical testing. Allele origin: germline.
Comment: This sequence change replaces arginine, which is basic and polar, with glutamine, which is neutral and polar, at codon 125 of the GMPPB protein (p.Arg125Gln). In summary, the available evidence is currently insufficient to determine the role of this variant in disease. Therefore, it has been classified as a Variant of Uncertain Significance. Algorithms developed to predict the effect of missense changes on protein structure and function output the following: SIFT: "Tolerated"; PolyPhen-2: "Benign"; Align-GVGD: "Class C0". The glutamine amino acid residue is found in multiple mammalian species, which suggests that this missense change does not adversely affect protein function. ClinVar contains an entry for this variant (Variation ID: 541078). This variant has not been reported in the literature in individuals affected with GMPPB-related conditions. This variant is present in population databases (rs758366693, gnomAD 0.003%).